The following is an entry in ClinVar:

NM_017489.3(TERF1):c.1182C>T (p.Gly394=)

Gene: TERF1 (telomeric repeat binding factor 1; plus strand). Cytogenetic location: 8q21.11.
Variant type: single nucleotide variant.
Coding change: c.1182C>T on transcript NM_017489.3 (MANE Select); coding-DNA position 1182, C replaced by T.
Protein change: p.Gly394=; no amino-acid change (glycine 394 retained).
Molecular consequence: synonymous variant. On other transcripts: 3 prime UTR variant (3), non-coding transcript variant (4).
Genome position (GRCh38, 1-based): chr8:73,045,999, C>T. VCF-style: chr8-73045999-C-T. GRCh37 (hg19) VCF-style: chr8-73958234-C-T.
Other names: c.1212C>T, p.Gly404= (NM_001410928.1); c.1272C>T, p.Gly424= (NM_001413364.1); c.960C>T, p.Gly320= (NM_001413365.1); c.900C>T, p.Gly300= (NM_001413366.1); c.870C>T, p.Gly290= (NM_001413367.1); c.810C>T, p.Gly270= (NM_001413368.1); c.813C>T, p.Gly271= (NM_001413369.1); c.1086C>T, p.Gly362= (NM_001413370.1); and 4 more.
Identifiers: ClinVar variation 2658652 (VCV002658652.24), dbSNP rs151126937, ClinGen allele CA4782244.

ClinVar aggregate classification (germline): Likely benign (1 of 4 stars; one submission).

Allele frequency attached by ClinVar (database versions not stated): 1000 Genomes Project 30x 0.00016; 1000 Genomes Project 0.00020; ExAC 0.00116; TOPMed 0.00135; gnomAD 0.00152; ESP Exome Variant Server 0.00185; gnomAD exomes 0.00247.
gnomAD v4.1: 3,726 of 1,601,436 alleles (0.23%); highest among the groups gnomAD compares: Non-Finnish European, 0.3%; 10 homozygotes.

Submission:

CeGaT Center for Human Genetics Tuebingen
Classification: Likely benign. Last evaluated: 2022-08-01. Review status: criteria provided, single submitter. Criteria: CeGaT Center For Human Genetics Tuebingen Variant Classification Criteria Version 2. Collection method: clinical testing. Allele origin: germline. Affected: yes. Observed: 1 variant allele.
Comment: TERF1: BP4, BP7